The following is an entry in ClinVar:

ClinVar aggregate classification (germline): Pathogenic (1 of 4 stars; one submission).

Conditions:
Glycogen storage disease, type VI (GSD6). Also called: HERS DISEASE; PHOSPHORYLASE DEFICIENCY GLYCOGEN-STORAGE DISEASE OF LIVER; Glycogen storage disease type 6; Hepatic glycogen phosphorylase deficiency; Glycogen storage disease type 6, due to phosphorylation; GSD VI. Identifiers: Orphanet 369, MedGen C0017925, MONDO:0009294, OMIM 232700.

gnomAD v4.1: 1 of 1,613,834 alleles (0.000062%); highest among the groups gnomAD compares: South Asian, 0.0011%; no homozygotes.

Submission:

Labcorp Genetics (formerly Invitae), Labcorp
Classification: Pathogenic for Glycogen storage disease, type VI. Last evaluated: 2019-02-23. Review status: criteria provided, single submitter. Criteria: Invitae Variant Classification Sherloc (09022015). Collection method: clinical testing. Allele origin: germline.
Comment: For these reasons, this variant has been classified as Pathogenic. Donor and acceptor splice site variants typically lead to a loss of protein function (PMID: 16199547), and loss-of-function variants in PYGL are known to be pathogenic (PMID: 9536091, 21646031). Algorithms developed to predict the effect of sequence changes on RNA splicing suggest that this variant may disrupt the consensus splice site, but this prediction has not been confirmed by published transcriptional studies. Disruption of this splice site has been observed in several individuals and families affected with PYGL-related conditions (PMID: 9536091, 21646031). This variant is not present in population databases (ExAC no frequency). This sequence change affects a donor splice site in intron 13 of the PYGL gene. It is expected to disrupt RNA splicing and likely results in an absent or disrupted protein product.

Literature cited by the submitters: PubMed 16199547; PubMed 9536091; PubMed 21646031.

NM_002863.5(PYGL):c.1620+1G>T

Gene: PYGL (glycogen phosphorylase L; minus strand). Cytogenetic location: 14q22.1.
Variant type: single nucleotide variant.
Coding change: c.1620+1G>T on transcript NM_002863.5 (MANE Select); the canonical splice donor site of the intron after coding-DNA position 1620, G replaced by T.
Molecular consequence: splice donor variant.
Genome position (GRCh38, 1-based): chr14:50,913,028, C>A on the plus strand (G>T on the coding strand, the complement: PYGL is on the minus strand). VCF-style: chr14-50913028-C-A. GRCh37 (hg19) VCF-style: chr14-51379746-C-A.
Other names: c.1518+1G>T (NM_001163940.2).
Identifiers: ClinVar variation 849156 (VCV000849156.10), dbSNP rs113993981, ClinGen allele CA389686048.
Genomic context (GRCh38, chr14:50,913,028, plus strand): 5'-AACTACAGGATAAACTCTCACAGTGAGTGCCCAGGAGGGGACCCACACCTGGAAGGCTCA[C>A]CTGCTTCACCTTGGCGAGTTCCCGGAGGAAGACATCATCACCCAGGAAGCTGTGGAGCTT-3'